The following is an entry in ClinVar:

NM_201253.3(CRB1):c.3647A>G (p.Asp1216Gly)

Gene: CRB1 (crumbs cell polarity complex component 1; plus strand). Cytogenetic location: 1q31.3.
Variant type: single nucleotide variant.
Coding change: c.3647A>G on transcript NM_201253.3 (MANE Select); coding-DNA position 3647, A replaced by G.
Protein change: p.Asp1216Gly; replaces aspartic acid 1216 with glycine.
Molecular consequence: missense variant. On other transcripts: non-coding transcript variant (2), intron variant (1).
Genome position (GRCh38, 1-based): chr1:197,435,510, A>G. VCF-style: chr1-197435510-A-G. GRCh37 (hg19) VCF-style: chr1-197404640-A-G.
Other names: c.3311A>G, p.Asp1104Gly (NM_001193640.2); c.3575A>G, p.Asp1192Gly (NM_001257965.2); c.2129-90A>G (NM_001257966.2); short protein forms D1192G, D1104G, D1216G.
Identifiers: ClinVar variation 1359335 (VCV001359335.8), dbSNP rs2125501023, ClinGen allele CA344050201.
Genomic context (GRCh38, chr1:197,435,510, plus strand): 5'-CAGCCTACCACTGCACATGTGAGCCTGGATACACTGGTGTGAACTGTGAAGTGGATATAG[A>G]CAACTGCCAGAGTCACCAGTGTGCAAATGGAGCCACCTGCATTAGTCATACTAATGGCTA-3'
Protein context (NP_957705.1, residues 1206-1226): YTGVNCEVDI[Asp1216Gly]NCQSHQCANG

ClinVar aggregate classification (germline): Uncertain significance (1 of 4 stars; one submission).

Conditions:
Retinitis pigmentosa 12 (RP12). Also called: RP WITH OR WITHOUT PPRPE; RP WITH OR WITHOUT PRESERVED PARAARTERIOLE RETINAL PIGMENT EPITHELIUM; RETINITIS PIGMENTOSA WITH OR WITHOUT PARAARTERIOLAR PRESERVATION OF RETINAL PIGMENT EPITHELIUM. Identifiers: Orphanet 791, MedGen C1838647, MONDO:0010818, OMIM 600105.
Leber congenital amaurosis 8 (LCA8). Identifiers: Orphanet 65, MedGen C3151202, MONDO:0013453, OMIM 613835.

Submission:

Labcorp Genetics (formerly Invitae), Labcorp
Classification: Uncertain significance for Leber congenital amaurosis 8; Retinitis pigmentosa 12. Last evaluated: 2021-06-06. Review status: criteria provided, single submitter. Criteria: Invitae Variant Classification Sherloc (09022015). Collection method: clinical testing. Allele origin: germline.
Comment: In summary, the available evidence is currently insufficient to determine the role of this variant in disease. Therefore, it has been classified as a Variant of Uncertain Significance. Advanced modeling of protein sequence and biophysical properties (such as structural, functional, and spatial information, amino acid conservation, physicochemical variation, residue mobility, and thermodynamic stability) performed at Invitae indicates that this missense variant is expected to disrupt CRB1 protein function. This variant has not been reported in the literature in individuals with CRB1-related conditions. This variant is not present in population databases (ExAC no frequency). This sequence change replaces aspartic acid with glycine at codon 1216 of the CRB1 protein (p.Asp1216Gly). The aspartic acid residue is highly conserved and there is a moderate physicochemical difference between aspartic acid and glycine.